The following is an entry in ClinVar:

NM_020247.5(COQ8A):c.902G>A (p.Arg301Gln)

Gene: COQ8A (coenzyme Q8A; plus strand). Cytogenetic location: 1q42.13.
Variant type: single nucleotide variant.
Coding change: c.902G>A on transcript NM_020247.5 (MANE Select); coding-DNA position 902, G replaced by A.
Protein change: p.Arg301Gln; replaces arginine 301 with glutamine.
Molecular consequence: missense variant.
Genome position (GRCh38, 1-based): chr1:226,982,726, G>A. VCF-style: chr1-226982726-G-A. GRCh37 (hg19) VCF-style: chr1-227170427-G-A.
Other names: short protein forms R301Q.
Identifiers: ClinVar variation 2439508 (VCV002439508.6), dbSNP rs1243721108, ClinGen allele CA345052335.

ClinVar aggregate classification (germline): Likely pathogenic. Review status: criteria provided, multiple submitters, no conflicts (2 of 4 stars). 2 submissions from 2 submitters: Likely pathogenic (2). Last evaluated 2023-02-09.

Conditions:
Autosomal recessive ataxia due to ubiquinone deficiency. Also called: SPINOCEREBELLAR ATAXIA, AUTOSOMAL RECESSIVE 9; Coenzyme Q10 deficiency, primary, 4. Identifiers: Orphanet 139485, MedGen C2677589, MONDO:0012784, OMIM 612016.

gnomAD v4.1: 5 of 1,613,692 alleles (0.00031%); highest among the groups gnomAD compares: South Asian, 0.0022%; no homozygotes.

Submissions (2):

Labcorp Genetics (formerly Invitae), Labcorp
Classification: Likely pathogenic. Last evaluated: 2023-02-09. Review status: criteria provided, single submitter. Criteria: Invitae Variant Classification Sherloc (09022015). Collection method: clinical testing. Allele origin: germline.
Comment: In summary, the currently available evidence indicates that the variant is pathogenic, but additional data are needed to prove that conclusively. Therefore, this variant has been classified as Likely Pathogenic. This variant disrupts the p.Arg301 amino acid residue in COQ8A. Other variant(s) that disrupt this residue have been determined to be pathogenic (PMID: 29915382, 30637285, 31890231, 32337771). This suggests that this residue is clinically significant, and that variants that disrupt this residue are likely to be disease-causing. Algorithms developed to predict the effect of missense changes on protein structure and function (SIFT, PolyPhen-2, Align-GVGD) all suggest that this variant is likely to be disruptive. This missense change has been observed in individual(s) with primary coenzyme Q10 deficiency (PMID: 32743982). In at least one individual the data is consistent with being in trans (on the opposite chromosome) from a pathogenic variant. This variant is not present in population databases (gnomAD no frequency). This sequence change replaces arginine, which is basic and polar, with glutamine, which is neutral and polar, at codon 301 of the COQ8A protein (p.Arg301Gln).

Revvity Omics, Revvity
Classification: Likely pathogenic for Autosomal recessive ataxia due to ubiquinone deficiency. Last evaluated: 2022-09-29. Review status: criteria provided, single submitter. Criteria: ACMG Guidelines, 2015. Collection method: clinical testing. Allele origin: germline.

Literature cited by the submitters: PubMed 29915382 (cited by Labcorp Genetics (formerly Invitae), Labcorp); PubMed 30637285 (cited by Labcorp Genetics (formerly Invitae), Labcorp); PubMed 31890231 (cited by Labcorp Genetics (formerly Invitae), Labcorp); PubMed 32337771 (cited by Labcorp Genetics (formerly Invitae), Labcorp); PubMed 32743982 (cited by Labcorp Genetics (formerly Invitae), Labcorp).